The following is an entry in ClinVar:

NM_176824.3(BBS7):c.1458C>A (p.Tyr486Ter)

Gene: BBS7 (Bardet-Biedl syndrome 7; minus strand). Cytogenetic location: 4q27.
Variant type: single nucleotide variant.
Coding change: c.1458C>A on transcript NM_176824.3 (MANE Select); coding-DNA position 1458, C replaced by A.
Protein change: p.Tyr486Ter; replaces tyrosine 486 with a stop codon.
Molecular consequence: nonsense.
Genome position (GRCh38, 1-based): chr4:121,835,197, G>T on the plus strand (C>A on the coding strand, the complement: BBS7 is on the minus strand). VCF-style: chr4-121835197-G-T. GRCh37 (hg19) VCF-style: chr4-122756352-G-T.
Other names: c.1458C>A, p.Tyr486Ter (NM_018190.4); short protein forms Y486*.
Identifiers: ClinVar variation 631936 (VCV000631936.8), dbSNP rs1470030897, ClinGen allele CA358058627.

ClinVar aggregate classification (germline): Pathogenic (1 of 4 stars; one submission).

Conditions:
Bardet-Biedl syndrome (BBS). Identifiers: Orphanet 110, MedGen C0752166, MONDO:0015229.

gnomAD v4.1: 1 of 1,613,882 alleles (0.000062%); highest among the groups gnomAD compares: Non-Finnish European, 0.000085%; no homozygotes.

Submission:

Labcorp Genetics (formerly Invitae), Labcorp
Classification: Pathogenic for Bardet-Biedl syndrome. Last evaluated: 2024-01-22. Review status: criteria provided, single submitter. Criteria: Invitae Variant Classification Sherloc (09022015). Collection method: clinical testing. Allele origin: germline.
Comment: This sequence change creates a premature translational stop signal (p.Tyr486*) in the BBS7 gene. It is expected to result in an absent or disrupted protein product. Loss-of-function variants in BBS7 are known to be pathogenic (PMID: 12567324, 19402160, 21209035, 31196119). This variant is not present in population databases (gnomAD no frequency). This variant has not been reported in the literature in individuals affected with BBS7-related conditions. ClinVar contains an entry for this variant (Variation ID: 631936). For these reasons, this variant has been classified as Pathogenic.

Literature cited by the submitters: PubMed 12567324; PubMed 19402160; PubMed 21209035; PubMed 31196119.